The following is an entry in ClinVar:

NM_001012339.3(DNAJC21):c.1244A>G (p.Glu415Gly)

Gene: DNAJC21 (DnaJ heat shock protein family (Hsp40) member C21; plus strand). Cytogenetic location: 5p13.2.
Variant type: single nucleotide variant.
Coding change: c.1244A>G on transcript NM_001012339.3 (MANE Select); coding-DNA position 1244, A replaced by G.
Protein change: p.Glu415Gly; replaces glutamic acid 415 with glycine.
Molecular consequence: missense variant.
Genome position (GRCh38, 1-based): chr5:34,950,228, A>G. VCF-style: chr5-34950228-A-G. GRCh37 (hg19) VCF-style: chr5-34950333-A-G.
Other names: c.1283A>G, p.Glu428Gly (NM_001348420.2); c.1379A>G, p.Glu460Gly (NM_194283.4); short protein forms E415G, E428G, E460G.
Identifiers: ClinVar variation 1041407 (VCV001041407.8), dbSNP rs757935346, ClinGen allele CA3228805.
Genomic context (GRCh38, chr5:34,950,228, plus strand): 5'-AGAATTATGATGACAATTTCAATGTAAATGGACCTGGAGAAGGAGTAAAGGTTGATCCAG[A>G]AGATACTAACTTAAATCAAGACAGTGCCAAAGAATTGGAAGATAGTCCCCAGGAAAATGT-3'
Protein context (NP_001012339.2, residues 405-425): GPGEGVKVDP[Glu415Gly]DTNLNQDSAK

ClinVar aggregate classification (germline): Uncertain significance (1 of 4 stars; one submission).

Allele frequency attached by ClinVar (database versions not stated): ExAC 0.00001; gnomAD exomes 0.00001; TOPMed 0.00001.

Submission:

Labcorp Genetics (formerly Invitae), Labcorp
Classification: Uncertain significance. Last evaluated: 2022-04-28. Review status: criteria provided, single submitter. Criteria: Invitae Variant Classification Sherloc (09022015). Collection method: clinical testing. Allele origin: germline.
Comment: In summary, the available evidence is currently insufficient to determine the role of this variant in disease. Therefore, it has been classified as a Variant of Uncertain Significance. Algorithms developed to predict the effect of missense changes on protein structure and function (SIFT, PolyPhen-2, Align-GVGD) all suggest that this variant is likely to be tolerated. ClinVar contains an entry for this variant (Variation ID: 1041407). This variant is present in population databases (rs757935346, gnomAD 0.006%). This sequence change replaces glutamic acid, which is acidic and polar, with glycine, which is neutral and non-polar, at codon 415 of the DNAJC21 protein (p.Glu415Gly). This variant has not been reported in the literature in individuals affected with DNAJC21-related conditions.